The following is an entry in ClinVar:

NM_001999.4(FBN2):c.1424G>T (p.Gly475Val)

Gene: FBN2 (fibrillin 2; minus strand). Cytogenetic location: 5q23.3.
Variant type: single nucleotide variant.
Coding change: c.1424G>T on transcript NM_001999.4 (MANE Select); coding-DNA position 1424, G replaced by T.
Protein change: p.Gly475Val; replaces glycine 475 with valine.
Molecular consequence: missense variant.
Genome position (GRCh38, 1-based): chr5:128,393,176, C>A on the plus strand (G>T on the coding strand, the complement: FBN2 is on the minus strand). VCF-style: chr5-128393176-C-A. GRCh37 (hg19) VCF-style: chr5-127728869-C-A.
Other names: short protein forms G475V.
Identifiers: ClinVar variation 1678722 (VCV001678722.5), dbSNP rs56312356, ClinGen allele CA3395803.

ClinVar aggregate classification (germline): Benign/Likely benign. Review status: criteria provided, multiple submitters, no conflicts (2 of 4 stars). 2 submissions from 2 submitters: Benign (1); Likely benign (1). Last evaluated 2025-10-01.

Conditions:
Congenital contractural arachnodactyly (CCA). Also called: BEALS SYNDROME; Beals-Hecht syndrome; Arthrogryposis, distal, type 9. Identifiers: Orphanet 115, MedGen C0220668, MONDO:0007363, OMIM 121050.

Allele frequency attached by ClinVar (database versions not stated): TOPMed 0.00002; gnomAD 0.00003 and 0.00005; gnomAD exomes 0.00006 and 0.00008; ExAC 0.00009; 1000 Genomes Project 30x 0.00031; 1000 Genomes Project 0.00040.
gnomAD v4.1: 122 of 1,614,180 alleles (0.0076%); highest among the groups gnomAD compares: East Asian, 0.27%; no homozygotes.

Submissions (2):

Labcorp Genetics (formerly Invitae), Labcorp
Classification: Benign for Congenital contractural arachnodactyly. Last evaluated: 2025-10-01. Review status: criteria provided, single submitter. Criteria: Invitae Variant Classification Sherloc (09022015). Collection method: clinical testing. Allele origin: germline.

GeneDx
Classification: Likely benign. Last evaluated: 2019-04-19. Review status: criteria provided, single submitter. Criteria: GeneDx Variant Classification Process June 2021. Collection method: clinical testing. Allele origin: germline. Affected: yes.
Comment: See Variant Classification Assertion Criteria.